The following is an entry in ClinVar:

ClinVar aggregate classification (germline): Uncertain significance (1 of 4 stars; one submission).

Conditions:
Polycystic kidney disease, adult type (PKD1). Also called: Polycystic Kidney Disease 1, Autosomal Dominant; Polycystic kidney disease 1; Polycystic kidney disease 1, severe; POLYCYSTIC KIDNEY DISEASE 1 WITH OR WITHOUT POLYCYSTIC LIVER DISEASE; POLYCYSTIC KIDNEY DISEASE, ADULT, TYPE I; Polycystic Kidney, Autosomal Dominant. Identifiers: MedGen C3149841, MONDO:0008263, OMIM 173900.

Submission:

OLLIN Analises Genomicas, OLLIN
Classification: Uncertain significance for Polycystic kidney disease, adult type. Last evaluated: 2026-02-13. Review status: criteria provided, single submitter. Criteria: ACMG Guidelines 2015 PMID 25741868. Collection method: clinical testing. Allele origin: germline. Observed: 1 variant allele.
Comment: PM2_P

NM_001009944.3(PKD1):c.4166G>T (p.Arg1389Met)

Gene: PKD1 (polycystin 1, transient receptor potential channel interacting; minus strand). Cytogenetic location: 16p13.3.
Variant type: single nucleotide variant.
Coding change: c.4166G>T on transcript NM_001009944.3 (MANE Select); coding-DNA position 4166, G replaced by T.
Protein change: p.Arg1389Met; replaces arginine 1389 with methionine.
Molecular consequence: missense variant.
Genome position (GRCh38, 1-based): chr16:2,111,001, C>A on the plus strand (G>T on the coding strand, the complement: PKD1 is on the minus strand). VCF-style: chr16-2111001-C-A. GRCh37 (hg19) VCF-style: chr16-2161002-C-A.
Other names: c.4166G>T, p.Arg1389Met (NM_000296.4); short protein forms R1389M.
Identifiers: ClinVar variation 4814094 (VCV004814094.1).